The following is an entry in ClinVar:

NM_007294.4(BRCA1):c.1202G>C (p.Gly401Ala)

Gene: BRCA1 (BRCA1 DNA repair associated; minus strand). Cytogenetic location: 17q21.31.
Variant type: single nucleotide variant.
Coding change: c.1202G>C on transcript NM_007294.4 (MANE Select); coding-DNA position 1202, G replaced by C.
Protein change: p.Gly401Ala; replaces glycine 401 with alanine.
Molecular consequence: missense variant. On other transcripts: intron variant (137).
Genome position (GRCh38, 1-based): chr17:43,094,329, C>G on the plus strand (G>C on the coding strand, the complement: BRCA1 is on the minus strand). VCF-style: chr17-43094329-C-G. GRCh37 (hg19) VCF-style: chr17-41246346-C-G.
Other names: p.Gly401Ala; 1321G>C; c.1202G>C, p.Gly401Ala (NM_001407619.1, NM_001407620.1, NM_001407621.1 and 30 more transcripts); c.1199G>C, p.Gly400Ala (NM_001407627.1, NM_001407628.1, NM_001407638.1 and 22 more transcripts); c.1193G>C, p.Gly398Ala (NM_001407646.1, NM_001407647.1); c.1079G>C, p.Gly360Ala (NM_001407648.1, NM_001407664.1, NM_001407665.1 and 19 more transcripts); c.1121G>C, p.Gly374Ala (NM_001407660.1, NM_001407661.1, NM_001407662.1 and 1 more transcripts); c.1124G>C, p.Gly375Ala (NM_001407663.1, NM_001407653.1, NM_001407654.1 and 4 more transcripts); and 42 more; short protein forms G401A, G354A, G290A, G334A, G353A, G375A, G398A, G400A.
Identifiers: ClinVar variation 91541 (VCV000091541.28), dbSNP rs397507184, ClinGen allele CA000792.

ClinVar aggregate classification (germline): Conflicting classifications of pathogenicity. Review status: criteria provided, conflicting classifications (1 of 4 stars). 9 submissions from 9 submitters: Uncertain significance (7); Likely benign (1). 1 of the submissions does not count toward it. Last evaluated 2025-11-05.

Conditions:
Hereditary cancer-predisposing syndrome. Also called: Hereditary Cancer Syndrome; Hereditary neoplastic syndrome; Neoplastic Syndromes, Hereditary; Tumor predisposition. Identifiers: Orphanet 140162, MedGen C0027672, MeSH D009386, MONDO:0015356.
Breast-ovarian cancer, familial, susceptibility to, 1 (BROVCA1). Also called: BRCA1 Hereditary Breast and Ovarian Cancer; OVARIAN CANCER, SUSCEPTIBILITY TO. Identifiers: Orphanet 145, MedGen C2676676, MONDO:0011450, OMIM 604370. Disease mechanism: loss of function.
Hereditary breast ovarian cancer syndrome. Also called: BRCA1- and BRCA2-Associated Hereditary Breast and Ovarian Cancer; Hereditary breast and ovarian cancer syndrome; Hereditary breast and ovarian cancer syndrome (HBOC); Breast and ovarian cancer; Hereditary breast and/or ovarian cancer syndrome; Hereditary breast and ovarian cancer. Identifiers: Orphanet 145, MedGen C0677776, MeSH D061325, MONDO:0003582. Disease mechanism: loss of function.

gnomAD v4.1: 2 of 1,614,126 alleles (0.00012%); highest among the groups gnomAD compares: Non-Finnish European, 0.00017%; no homozygotes.

Submissions (9):

Women's Health and Genetics/Laboratory Corporation of America, LabCorp
Classification: Uncertain significance. Last evaluated: 2025-11-05. Review status: criteria provided, single submitter. Criteria: LabCorp Variant Classification Summary - May 2015. Collection method: clinical testing. Allele origin: germline.

Color Diagnostics, LLC DBA Color Health
Classification: Uncertain significance for Hereditary cancer-predisposing syndrome. Last evaluated: 2025-09-10. Review status: criteria provided, single submitter. Criteria: ACMG Guidelines, 2015. Collection method: clinical testing. Allele origin: germline.
Comment: This missense variant replaces glycine with alanine at codon 401 of the BRCA1 protein. Computational prediction is inconclusive regarding the impact of this variant on protein structure and function. To our knowledge, functional studies have not been reported for this variant. A multifactorial analysis has reached a combined likelihood ratio (LR) of 1.013 based on reported LR for co-occurrence with a pathogenic variant and personal and family history for 1 carrier (PMID: 31853058). This variant has not been identified in the general population by the Genome Aggregation Database (gnomAD). The available evidence is insufficient to determine the role of this variant in disease conclusively. Therefore, this variant is classified as a Variant of Uncertain Significance.

Labcorp Genetics (formerly Invitae), Labcorp
Classification: Uncertain significance for Hereditary breast ovarian cancer syndrome. Last evaluated: 2025-05-19. Review status: criteria provided, single submitter. Criteria: Invitae Variant Classification Sherloc (09022015). Collection method: clinical testing. Allele origin: germline.
Comment: This sequence change replaces glycine, which is neutral and non-polar, with alanine, which is neutral and non-polar, at codon 401 of the BRCA1 protein (p.Gly401Ala). This variant is not present in population databases (gnomAD no frequency). This variant has not been reported in the literature in individuals affected with BRCA1-related conditions. ClinVar contains an entry for this variant (Variation ID: 91541). Invitae Evidence Modeling of protein sequence and biophysical properties (such as structural, functional, and spatial information, amino acid conservation, physicochemical variation, residue mobility, and thermodynamic stability) indicates that this missense variant is not expected to disrupt BRCA1 protein function with a negative predictive value of 80%. In summary, the available evidence is currently insufficient to determine the role of this variant in disease. Therefore, it has been classified as a Variant of Uncertain Significance.

Ambry Genetics
Classification: Uncertain significance for Hereditary cancer-predisposing syndrome. Last evaluated: 2025-01-14. Review status: criteria provided, single submitter. Criteria: Ambry Variant Classification Scheme 2023. Collection method: clinical testing. Allele origin: germline.
Comment: The p.G401A variant (also known as c.1202G>C), located in coding exon 9 of the BRCA1 gene, results from a G to C substitution at nucleotide position 1202. The glycine at codon 401 is replaced by alanine, an amino acid with similar properties. This amino acid position is not well conserved in available vertebrate species. In addition, the in silico prediction for this alteration is inconclusive. Based on the available evidence, the clinical significance of this variant remains unclear.

Quest Diagnostics Nichols Institute San Juan Capistrano
Classification: Uncertain significance. Last evaluated: 2023-04-28. Review status: criteria provided, single submitter. Criteria: Quest Diagnostics criteria. Collection method: clinical testing. Allele origin: unknown.
Comment: The variant has not been reported in individuals with BRCA1-related conditions in the published literature. It also has not been reported in large, multi-ethnic general populations. Analysis of this variant using bioinformatics tools for the prediction of the effect of amino acid changes on protein structure and function yielded predictions that this variant is benign. Based on the available information, we are unable to determine the clinical significance of this variant.

University of Washington Department of Laboratory Medicine, University of Washington
Classification: Likely benign for Hereditary cancer-predisposing syndrome. Last evaluated: 2023-03-23. Review status: criteria provided, single submitter. Criteria: Dines et al. (Genet Med. 2020). Collection method: curation. Allele origin: germline.
Comment: Missense variant in a coldspot region where missense variants are very unlikely to be pathogenic (PMID:31911673).

BRCA1 coldspot (exon 11 using historical exon numbering). Reclassification based on statistical prior probability

Mayo Clinic Laboratories, Mayo Clinic
Classification: Uncertain significance. Last evaluated: 2022-11-11. Review status: criteria provided, single submitter. Criteria: ACMG Guidelines, 2015. Collection method: clinical testing. Allele origin: germline. Observed: 1 variant allele.
Comment: PM2

GeneDx
Classification: Uncertain significance. Last evaluated: 2016-02-01. Review status: criteria provided, single submitter. Criteria: GeneDx Variant Classification (06012015). Collection method: clinical testing. Allele origin: germline. Affected: yes.
Comment: This variant is denoted BRCA1 c.1202G>C at the cDNA level, p.Gly401Ala (G401A) at the protein level, and results in the change of a Glycine to an Alanine (GGG>GCG). Using alternate nomenclature, this variant would be defined as BRCA1 1321G>C. This variant has not, to our knowledge, been published in the literature as pathogenic or benign. BRCA1 Gly401Ala was not observed in approximately 6,500 individuals of European and African American ancestry in the NHLBI Exome Sequencing Project, indicating it is not a common benign variant in these populations. Since Glycine and Alanine share similar properties, this is considered a conservative amino acid substitution. BRCA1 Gly401Ala occurs at a position that is not conserved and is located in a region known to interact with multiple proteins (Paul 2014). In silico analyses predict that this variant is unlikely to alter protein structure or function. Based on currently available information, it is unclear whether BRCA1 Gly401Ala is pathogenic or benign. We consider it to be a variant of uncertain significance.

Sharing Clinical Reports Project (SCRP)
Classification: Uncertain significance for Breast-ovarian cancer, familial 1. Last evaluated: 2009-12-22. Review status: no assertion criteria provided. Collection method: clinical testing. Allele origin: germline. Not counted in ClinVar's aggregate classification.

Literature cited by the submitters: PubMed 31853058 (cited by Color Diagnostics, LLC DBA Color Health); PubMed 31911673 (cited by Quest Diagnostics Nichols Institute San Juan Capistrano).